The following is an entry in ClinVar:

ClinVar aggregate classification (germline): Uncertain significance (1 of 4 stars; one submission).

Conditions:
Cardiovascular phenotype. Identifiers: MedGen CN230736.

Submission:

Ambry Genetics
Classification: Uncertain significance for Cardiovascular phenotype. Last evaluated: 2026-06-15. Review status: criteria provided, single submitter. Criteria: Ambry Variant Classification Scheme 2023. Collection method: clinical testing. Allele origin: germline.
Comment: The p.A401T variant (also known as c.1201G>A), located in coding exon 8 of the TBX20 gene, results from a G to A substitution at nucleotide position 1201. The alanine at codon 401 is replaced by threonine, an amino acid with similar properties. This amino acid position is conserved. In addition, the in silico prediction for this alteration is inconclusive. Based on the available evidence, the clinical significance of this variant remains unclear.

NM_001077653.2(TBX20):c.1201G>A (p.Ala401Thr)

Gene: TBX20 (T-box transcription factor 20; minus strand). Cytogenetic location: 7p14.2.
Variant type: single nucleotide variant.
Coding change: c.1201G>A on transcript NM_001077653.2 (MANE Select); coding-DNA position 1201, G replaced by A.
Protein change: p.Ala401Thr; replaces alanine 401 with threonine.
Molecular consequence: missense variant.
Genome position (GRCh38, 1-based): chr7:35,202,573, C>T on the plus strand (G>A on the coding strand, the complement: TBX20 is on the minus strand). VCF-style: chr7-35202573-C-T. GRCh37 (hg19) VCF-style: chr7-35242185-C-T.
Other names: short protein forms A401T.
Identifiers: ClinVar variation 5030542 (VCV005030542.1).